The following is an entry in ClinVar:

ClinVar aggregate classification (germline): Likely benign. Review status: criteria provided, multiple submitters, no conflicts (2 of 4 stars). 3 submissions from 3 submitters: Likely benign (2). 1 of the submissions does not count toward it. Last evaluated 2025-11-01.

Conditions:
Kleefstra syndrome 1 (KLEFS1). Identifiers: Orphanet 261494, MedGen C0795833, MONDO:0027407, OMIM 610253.
EHMT1-related disorder. Also called: EHMT1-related condition.
Inborn genetic diseases. Identifiers: MedGen C0950123, MeSH D030342.

gnomAD v4.1: 94 of 1,572,952 alleles (0.006%); highest among the groups gnomAD compares: Non-Finnish European, 0.0077%; no homozygotes.

Submissions (3):

Labcorp Genetics (formerly Invitae), Labcorp
Classification: Likely benign for Kleefstra syndrome 1. Last evaluated: 2025-11-01. Review status: criteria provided, single submitter. Criteria: Invitae Variant Classification Sherloc (09022015). Collection method: clinical testing. Allele origin: germline.

Ambry Genetics
Classification: Likely benign for Inborn genetic diseases. Last evaluated: 2020-03-24. Review status: criteria provided, single submitter. Criteria: Ambry Variant Classification Scheme 2023. Collection method: clinical testing. Allele origin: germline.

PreventionGenetics, part of Exact Sciences
Classification: Likely benign for EHMT1-related condition. Last evaluated: 2019-04-15. Review status: no assertion criteria provided. Collection method: clinical testing. Allele origin: germline. Not counted in ClinVar's aggregate classification.
Comment: This variant is classified as likely benign based on ACMG/AMP sequence variant interpretation guidelines (Richards et al. 2015 PMID: 25741868, with internal and published modifications).

NM_024757.5(EHMT1):c.102C>G (p.Ala34=)

Gene: EHMT1 (euchromatic histone lysine methyltransferase 1; plus strand). Cytogenetic location: 9q34.3.
Variant type: single nucleotide variant.
Coding change: c.102C>G on transcript NM_024757.5 (MANE Select); coding-DNA position 102, C replaced by G.
Protein change: p.Ala34=; no amino-acid change (alanine 34 retained).
Molecular consequence: synonymous variant.
Genome position (GRCh38, 1-based): chr9:137,716,642, C>G. VCF-style: chr9-137716642-C-G. GRCh37 (hg19) VCF-style: chr9-140611094-C-G.
Other names: c.102C>G, p.Ala34= (NM_001145527.2, NM_001354263.2, NM_001354611.2); c.9C>G, p.Ala3= (NM_001354259.2, NM_001354612.2).
Identifiers: ClinVar variation 1140935 (VCV001140935.13), dbSNP rs202208554, ClinGen allele CA5374178.
Genomic context (GRCh38, chr9:137,716,642, plus strand): 5'-AGAGCGTGGCCTGCAGTCAGTGACACTCGTTTCTTTGTTGGCAGAGACACCTATGGCTGC[C>G]GATGAAGGCTCAGCAGAGAAACAGGCAGGAGAGGCCCACATGGCTGCGGACGGTGAGACC-3'
Protein context (NP_079033.4, residues 24-44): ELLGEETPMA[Ala34=]DEGSAEKQAG